The following is an entry in ClinVar:

NM_000256.3(MYBPC3):c.3058A>G (p.Ser1020Gly)

Gene: MYBPC3 (myosin binding protein C3; minus strand). Cytogenetic location: 11p11.2.
Variant type: single nucleotide variant.
Coding change: c.3058A>G on transcript NM_000256.3 (MANE Select); coding-DNA position 3058, A replaced by G.
Protein change: p.Ser1020Gly; replaces serine 1020 with glycine.
Molecular consequence: missense variant.
Genome position (GRCh38, 1-based): chr11:47,333,689, T>C on the plus strand (A>G on the coding strand, the complement: MYBPC3 is on the minus strand). VCF-style: chr11-47333689-T-C. GRCh37 (hg19) VCF-style: chr11-47355240-T-C.
Other names: short protein forms S1020G.
Identifiers: ClinVar variation 694554 (VCV000694554.5), dbSNP rs2095879641, ClinGen allele CA380315391.
Genomic context (GRCh38, chr11:47,333,689, plus strand): 5'-AATGCACGCGGCGAGCGGCCCGGATGAACAGGATGGTGTCTGTGGGGCTGTTGCGGATGC[T>C]CACCTCCTCGCCTGCCAGGGGCTGCCCCTCTTTGGTCCAGGTCACCTGAGGCCGGGGCTT-3'
Protein context (NP_000247.2, residues 1010-1030): EGQPLAGEEV[Ser1020Gly]IRNSPTDTIL

ClinVar aggregate classification (germline): Conflicting classifications of pathogenicity. Review status: criteria provided, conflicting classifications (1 of 4 stars). 3 submissions from 3 submitters: Uncertain significance (1); Likely benign (2). Last evaluated 2023-11-19.

Conditions:
Cardiovascular phenotype. Identifiers: MedGen CN230736.
Hypertrophic cardiomyopathy. Also called: HYPERTROPHIC MYOCARDIOPATHY. Identifiers: Orphanet 217569, MedGen C0007194, MeSH D002312, MONDO:0005045, HP:0001639.

Allele frequency attached by ClinVar (database versions not stated): TOPMed below 0.00001; gnomAD 0.00001; gnomAD exomes 0.00001.
gnomAD v4.1: 4 of 1,611,090 alleles (0.00025%); highest among the groups gnomAD compares: Middle Eastern, 0.033%; no homozygotes.

Submissions (3):

Ambry Genetics
Classification: Likely benign for Cardiovascular phenotype. Last evaluated: 2023-11-19. Review status: criteria provided, single submitter. Criteria: Ambry Variant Classification Scheme 2023. Collection method: clinical testing. Allele origin: germline.

Labcorp Genetics (formerly Invitae), Labcorp
Classification: Uncertain significance for Hypertrophic cardiomyopathy. Last evaluated: 2022-07-19. Review status: criteria provided, single submitter. Criteria: Invitae Variant Classification Sherloc (09022015). Collection method: clinical testing. Allele origin: germline.
Comment: This sequence change replaces serine, which is neutral and polar, with glycine, which is neutral and non-polar, at codon 1020 of the MYBPC3 protein (p.Ser1020Gly). This variant is not present in population databases (gnomAD no frequency). This variant has not been reported in the literature in individuals affected with MYBPC3-related conditions. ClinVar contains an entry for this variant (Variation ID: 694554). Algorithms developed to predict the effect of missense changes on protein structure and function (SIFT, PolyPhen-2, Align-GVGD) all suggest that this variant is likely to be tolerated. Algorithms developed to predict the effect of sequence changes on RNA splicing suggest that this variant may disrupt the consensus splice site. In summary, the available evidence is currently insufficient to determine the role of this variant in disease. Therefore, it has been classified as a Variant of Uncertain Significance.

Genetics and Genomics Program, Sidra Medicine
Classification: Likely benign for Hypertrophic cardiomyopathy. Review status: criteria provided, single submitter. Criteria: ACMG Guidelines, 2015. Collection method: research. Allele origin: unknown. Affected: yes. Observed: 1 variant allele.

Literature cited by the submitters: PubMed 33495597 (cited by Ambry Genetics).